The following is an entry in ClinVar:

NM_001166108.2(PALLD):c.3256C>T (p.Leu1086=)

Genes: CBR4 (carbonyl reductase 4; minus strand), PALLD (palladin, cytoskeletal associated protein; plus strand). Cytogenetic location: 4q32.3.
Variant type: single nucleotide variant.
Coding change: c.3256C>T on transcript NM_001166108.2 (MANE Select); coding-DNA position 3256, C replaced by T.
Protein change: p.Leu1086=; no amino-acid change (leucine 1086 retained).
Molecular consequence: synonymous variant.
Genome position (GRCh38, 1-based): chr4:168,924,976, C>T. VCF-style: chr4-168924976-C-T. GRCh37 (hg19) VCF-style: chr4-169846127-C-T.
Other names: p.L1069L:CTG>TTG; c.2059C>T, p.Leu687= (NM_001166109.2); c.1744C>T, p.Leu582= (NM_001166110.2); c.1084C>T, p.Leu362= (NM_001367567.1, NM_001367569.1); c.1135C>T, p.Leu379= (NM_001367568.1, NM_001367570.1); c.3205C>T, p.Leu1069= (NM_016081.4).
Identifiers: ClinVar variation 182794 (VCV000182794.20), dbSNP rs59633770, ClinGen allele CA333747.
Genomic context (GRCh38, chr4:168,924,976, plus strand): 5'-AACCCTAATGACTTTATCCTTTTCTCCAGCATGCACCAGGACAACCACGGCTACATCTGC[C>T]TGCTCATTCAGGGAGCCACAAAAGAAGATGCTGGGTGGTATACTGTGTCAGCCAAGAATG-3'
Protein context (NP_001159580.1, residues 1076-1096): MHQDNHGYIC[Leu1086=]LIQGATKEDA

ClinVar aggregate classification (germline): Benign/Likely benign. Review status: criteria provided, multiple submitters, no conflicts (2 of 4 stars). 6 submissions from 6 submitters: Benign (4); Likely benign (1). 1 of the submissions does not count toward it. Last evaluated 2026-02-02.

Conditions:
PALLD-related disorder. Also called: PALLD-related condition.
Pancreatic adenocarcinoma. Identifiers: MedGen C0281361, MONDO:0006047, HP:0006725.
Pancreatic cancer, susceptibility to, 1. Identifiers: Orphanet 1333, MedGen C1847351, MONDO:0011739, OMIM 606856.

Allele frequency attached by ClinVar (database versions not stated): ESP Exome Variant Server 0.00023; TOPMed 0.00072; gnomAD 0.00098 and 0.00138; gnomAD exomes 0.00108 and 0.00211; ExAC 0.00200; 1000 Genomes Project 30x 0.00406; 1000 Genomes Project 0.00499.
gnomAD v4.1: 1,778 of 1,614,110 alleles (0.11%); highest among the groups gnomAD compares: East Asian, 2.5%; 17 homozygotes.

Submissions (6):

Labcorp Genetics (formerly Invitae), Labcorp
Classification: Benign for Pancreatic adenocarcinoma. Last evaluated: 2026-02-02. Review status: criteria provided, single submitter. Criteria: Invitae Variant Classification Sherloc (09022015). Collection method: clinical testing. Allele origin: germline.

KCCC/NGS Laboratory, Kuwait Cancer Control Center
Classification: Benign for Pancreatic cancer, susceptibility to, 1. Last evaluated: 2023-07-07. Review status: criteria provided, single submitter. Criteria: ACMG Guidelines, 2015. Collection method: clinical testing. Allele origin: germline. Affected: yes.

Ambry Genetics
Classification: Likely benign. Last evaluated: 2022-02-12. Review status: criteria provided, single submitter. Criteria: Ambry Variant Classification Scheme 2023. Collection method: clinical testing. Allele origin: germline.

Illumina Laboratory Services, Illumina
Classification: Benign for Pancreatic cancer, susceptibility to, 1. Last evaluated: 2018-01-13. Review status: criteria provided, single submitter. Criteria: ICSL Variant Classification Criteria 13 December 2019. Collection method: clinical testing. Allele origin: germline.
Comment: This variant was observed in the ICSL laboratory as part of a predisposition screen in an ostensibly healthy population. It had not been previously curated by ICSL or reported in the Human Gene Mutation Database (HGMD: prior to June 1st, 2018), and was therefore a candidate for classification through an automated scoring system. Utilizing variant allele frequency, disease prevalence and penetrance estimates, and inheritance mode, an automated score was calculated to assess if this variant is too frequent to cause the disease. Based on the score and internal cut-off values, a variant classified as benign is not then subjected to further curation. The score for this variant resulted in a classification of benign for this disease.

GeneDx
Classification: Benign. Last evaluated: 2014-02-26. Review status: criteria provided, single submitter. Criteria: GeneDx Variant Classification (06012015). Collection method: clinical testing. Allele origin: germline. Affected: yes.
Comment: This variant is considered likely benign or benign based on one or more of the following criteria: it is a conservative change, it occurs at a poorly conserved position in the protein, it is predicted to be benign by multiple in silico algorithms, and/or has population frequency not consistent with disease.

PreventionGenetics, part of Exact Sciences
Classification: Benign for PALLD-related condition. Last evaluated: 2020-08-10. Review status: no assertion criteria provided. Collection method: clinical testing. Allele origin: germline. Not counted in ClinVar's aggregate classification.
Comment: This variant is classified as benign based on ACMG/AMP sequence variant interpretation guidelines (Richards et al. 2015 PMID: 25741868, with internal and published modifications).